The following is an entry in ClinVar:

NM_001034853.2(RPGR):c.2496_2516del (p.829EEEEGEG[3])

Gene: RPGR (retinitis pigmentosa GTPase regulator; minus strand). Cytogenetic location: Xp11.4.
Variant type: Deletion.
Coding change: c.2496_2516del on transcript NM_001034853.2 (MANE Select); coding-DNA positions 2496 to 2516, 21 bases deleted (GGGTGAGGGGGAAGAGGAGGA).
Protein change: p.829EEEEGEG[3].
Molecular consequence: inframe deletion. On other transcripts: intron variant (8).
Genome position (GRCh38, 1-based): chrX:38,286,483-38,286,503, TCCTCCTCTTCCCCCTCACCC deleted on the plus strand (GGGTGAGGGGGAAGAGGAGGA on the coding strand, the reverse complement: RPGR is on the minus strand); deleting any 21 consecutive bases within chrX:38,286,483-38,286,515 gives the same sequence; the c. name uses the placement nearest the transcript's 3' end. VCF-style (leftmost placement, unchanged base first): chrX-38286482-TTCCTCCTCTTCCCCCTCACCC-T. GRCh37 (hg19) VCF-style: chrX-38145735-TTCCTCCTCTTCCCCCTCACCC-T.
Other names: c.1569+4456_1569+4476del (NM_001367249.1, NM_001367250.1); c.1902+591_1902+611del (NM_001367245.1); c.1386+4456_1386+4476del (NM_001367251.1); c.1719+591_1719+611del (NM_001367246.1); c.1572+4456_1572+4476del (NM_001367247.1); c.1905+591_1905+611del (NM_000328.3); c.1602+4456_1602+4476del (NM_001367248.1).
Identifiers: ClinVar variation 2726335 (VCV002726335.3), dbSNP rs1569236939, ClinGen allele CA640956487.

ClinVar aggregate classification (germline): Uncertain significance (1 of 4 stars; one submission).

Conditions:
Primary ciliary dyskinesia. Also called: Ciliary dyskinesia. Identifiers: Orphanet 244, MedGen C0008780, MONDO:0016575, HP:0012265.

Submission:

Labcorp Genetics (formerly Invitae), Labcorp
Classification: Uncertain significance for Primary ciliary dyskinesia. Last evaluated: 2025-02-03. Review status: criteria provided, single submitter. Criteria: Invitae Variant Classification Sherloc (09022015). Collection method: clinical testing. Allele origin: germline.
Comment: This variant, c.2496_2516del, results in the deletion of 7 amino acid(s) of the RPGR (ORF15) protein (p.Glu850_Gly856del), but otherwise preserves the integrity of the reading frame. The frequency data for this variant in the population databases is considered unreliable, as metrics indicate poor data quality at this position in the gnomAD database. This variant has not been reported in the literature in individuals affected with RPGR (ORF15)-related conditions. ClinVar contains an entry for this variant (Variation ID: 2726335). Experimental studies and prediction algorithms are not available or were not evaluated, and the functional significance of this variant is currently unknown. In summary, the available evidence is currently insufficient to determine the role of this variant in disease. Therefore, it has been classified as a Variant of Uncertain Significance.